The following is an entry in ClinVar:

ClinVar aggregate classification (germline): Uncertain significance (0 of 4 stars; one submission).

Submission:

Department of Pathology and Laboratory Medicine, Sinai Health System
Classification: Uncertain significance. Review status: no assertion criteria provided. Collection method: clinical testing. Allele origin: unknown. Affected: yes. Study: The Canadian Open Genetics Repository (COGR).
Comment: The FLNC p.Thr1406Ser variant was not identified in the literature nor was it identified in dbSNP, ClinVar, Cosmic, LOVD 3.0 or in the following control databases: the 1000 Genomes Project, the NHLBI GO Exome Sequencing Project, or the Genome Aggregation Database (March 6, 2019, v2.1.1). The p.Thr1406 residue is not conserved in mammals and four out of five computational analyses (PolyPhen-2, SIFT, AlignGVGD, BLOSUM, MutationTaster) do not suggest a high likelihood of impact to the protein; however, this information is not predictive enough to rule out pathogenicity. The variant occurs outside of the splicing consensus sequence and in silico or computational prediction software programs (SpliceSiteFinder, MaxEntScan, NNSPLICE, GeneSplicer) do not predict a difference in splicing. In summary, based on the above information the clinical significance of this variant cannot be determined with certainty at this time. This variant is classified as a variant of uncertain significance.

NM_001458.5(FLNC):c.4216A>T (p.Thr1406Ser)

Gene: FLNC (filamin C; plus strand). Cytogenetic location: 7q32.1.
Variant type: single nucleotide variant.
Coding change: c.4216A>T on transcript NM_001458.5 (MANE Select); coding-DNA position 4216, A replaced by T.
Protein change: p.Thr1406Ser; replaces threonine 1406 with serine.
Molecular consequence: missense variant.
Genome position (GRCh38, 1-based): chr7:128,846,833, A>T. VCF-style: chr7-128846833-A-T. GRCh37 (hg19) VCF-style: chr7-128486887-A-T.
Other names: c.4216A>T, p.Thr1406Ser (NM_001127487.2); short protein forms T1406S.
Identifiers: ClinVar variation 1049391 (VCV001049391.1), dbSNP rs2128937040, ClinGen allele CA369200701.
Genomic context (GRCh38, chr7:128,846,833, plus strand): 5'-GCCATCGAGGGTCCCTCGGAAGCCAAGATGTCCTGCAAGGACAACAAGGATGGTAGCTGC[A>T]CCGTGGAGTACATCCCCTTCACTCCTGGAGACTATGACGTCAACATCACCTTCGGGGGGC-3'
Protein context (NP_001449.3, residues 1396-1416): SCKDNKDGSC[Thr1406Ser]VEYIPFTPGD